The following is an entry in ClinVar:

ClinVar aggregate classification (germline): Pathogenic. Review status: criteria provided, multiple submitters, no conflicts (2 of 4 stars). 2 submissions from 2 submitters: Pathogenic (2). Last evaluated 2024-07-10.

Conditions:
Developmental and epileptic encephalopathy, 1 (DEE1). Also called: X-linked infantile spasms; West's syndrome; Tonic spasms with clustering, arrest of psychomotor development and hypsarrhythmia on EEG; X-Linked Infantile Spasm Syndrome; OHTAHARA SYNDROME, X-LINKED; INFANTILE SPASM SYNDROME, X-LINKED 1. Identifiers: MedGen C3463992, MONDO:0010632, OMIM 308350. Disease mechanism: loss of function.
Autosomal dominant nonsyndromic hearing loss 65. Also called: TBC1D24-Related Autosomal Dominant Nonsyndromic Hearing Loss (DFNA); Deafness, autosomal dominant 65. Identifiers: Orphanet 90635, MedGen C3892048, MONDO:0014470, OMIM 616044.

Submissions (2):

GeneDx
Classification: Pathogenic. Last evaluated: 2024-07-10. Review status: criteria provided, single submitter. Criteria: GeneDx Variant Classification Process June 2021. Collection method: clinical testing. Allele origin: germline. Affected: yes.
Comment: Observed multiple times with a pathogenic variant on the opposite allele (in trans) in unrelated patients with drug-resistant epilepsy and developmental delay (PMID: 27502353); Nonsense variant predicted to result in protein truncation or nonsense mediated decay in a gene for which loss of function is a known mechanism of disease; Not observed at significant frequency in large population cohorts (gnomAD); This variant is associated with the following publications: (PMID: 32549035, 27502353, 31440721)

Labcorp Genetics (formerly Invitae), Labcorp
Classification: Pathogenic for Developmental and epileptic encephalopathy, 1; Autosomal dominant nonsyndromic hearing loss 65. Last evaluated: 2022-02-10. Review status: criteria provided, single submitter. Criteria: Invitae Variant Classification Sherloc (09022015). Collection method: clinical testing. Allele origin: germline.
Comment: This sequence change creates a premature translational stop signal (p.Gln41*) in the TBC1D24 gene. It is expected to result in an absent or disrupted protein product. Loss-of-function variants in TBC1D24 are known to be pathogenic (PMID: 23526554, 24291220). This variant is not present in population databases (gnomAD no frequency). This premature translational stop signal has been observed in individual(s) with autosomal recessive TBC1D24-related epilepsy (PMID: 27502353). ClinVar contains an entry for this variant (Variation ID: 391687). For these reasons, this variant has been classified as Pathogenic.

Literature cited by the submitters: PubMed 23526554 (cited by Labcorp Genetics (formerly Invitae), Labcorp); PubMed 24291220 (cited by Labcorp Genetics (formerly Invitae), Labcorp); PubMed 27502353 (cited by Labcorp Genetics (formerly Invitae), Labcorp).

NM_001199107.2(TBC1D24):c.121C>T (p.Gln41Ter)

Gene: TBC1D24 (TBC1 domain family member 24; plus strand). Cytogenetic location: 16p13.3.
Variant type: single nucleotide variant.
Coding change: c.121C>T on transcript NM_001199107.2 (MANE Select); coding-DNA position 121, C replaced by T.
Protein change: p.Gln41Ter; replaces glutamine 41 with a stop codon.
Molecular consequence: nonsense.
Genome position (GRCh38, 1-based): chr16:2,496,269, C>T. VCF-style: chr16-2496269-C-T. GRCh37 (hg19) VCF-style: chr16-2546270-C-T.
Other names: c.121C>T, p.Gln41Ter (NM_020705.3); short protein forms Q41*.
Identifiers: ClinVar variation 391687 (VCV000391687.13), dbSNP rs1057524191, ClinGen allele CA16608135.